The following is an entry in ClinVar:

NM_020919.4(ALS2):c.2541del (p.Asn846_Tyr847insTer)

Gene: ALS2 (alsin Rho guanine nucleotide exchange factor ALS2; minus strand). Cytogenetic location: 2q33.1.
Variant type: Deletion.
Coding change: c.2541del on transcript NM_020919.4 (MANE Select); coding-DNA position 2541, one base deleted (C; older notation c.2541delC).
Protein change: p.Asn846_Tyr847insTer.
Molecular consequence: nonsense.
Genome position (GRCh38, 1-based): chr2:201,733,315, G deleted on the plus strand (C on the coding strand, the reverse complement: ALS2 is on the minus strand). VCF-style (leftmost placement, unchanged base first): chr2-201733314-CG-C. GRCh37 (hg19) VCF-style: chr2-202598037-CG-C.
Other names: c.2541del, p.Asn846_Tyr847insTer (NM_001410975.1).
Identifiers: ClinVar variation 4884790 (VCV004884790.1).

ClinVar aggregate classification (germline): Likely pathogenic (0 of 4 stars; one submission).

Conditions:
Infantile-onset ascending hereditary spastic paralysis (IAHSP). Also called: Autosomal Recessive Juvenile Amyotrophic Lateral Sclerosis; Infantile-Onset Ascending Hereditary Spastic Paralysis (IAHSP). Identifiers: Orphanet 293168, MedGen C2931441, MONDO:0011797, OMIM 607225. Disease mechanism: loss of function.

Submission:

Hong-Tao Li Lab, Institute of Brain Science and Brain-inspired Research, Shandong First Medical University & Shandong Academy of Medical Sciences China
Classification: Likely pathogenic for Infantile-onset ascending hereditary spastic paralysis. Review status: no assertion criteria provided. Collection method: research. Allele origin: germline. Inheritance: Autosomal recessive inheritance. Affected: yes. Observed: 1 variant allele, 1 homozygote.
Comment: Observed in affected individuals from a Pakistani neurodevelopmental-disorder research cohort of 263 individuals. Classification assigned using the ACMG/AMP framework. Population-frequency evidence: gnomAD AF 4.011e-06.